The following is an entry in ClinVar:

NM_001369.3(DNAH5):c.4258A>G (p.Asn1420Asp)

Genes: DNAH5 (dynein axonemal heavy chain 5; minus strand), DNAH5-AS1 (DNAH5 antisense RNA 1; plus strand). Cytogenetic location: 5p15.2.
Variant type: single nucleotide variant.
Coding change: c.4258A>G on transcript NM_001369.3 (MANE Select); coding-DNA position 4258, A replaced by G.
Protein change: p.Asn1420Asp; replaces asparagine 1420 with aspartic acid.
Molecular consequence: missense variant.
Genome position (GRCh38, 1-based): chr5:13,865,765, T>C on the plus strand (A>G on the coding strand, the complement: DNAH5 is on the minus strand). VCF-style: chr5-13865765-T-C. GRCh37 (hg19) VCF-style: chr5-13865874-T-C.
Other names: short protein forms N1420D.
Identifiers: ClinVar variation 258032 (VCV000258032.49), dbSNP rs201841311, ClinGen allele CA3204035.

ClinVar aggregate classification (germline): Conflicting classifications of pathogenicity. Review status: criteria provided, conflicting classifications (1 of 4 stars). 8 submissions from 8 submitters: Uncertain significance (4); Likely benign (4). Last evaluated 2026-01-24.

Conditions:
Primary ciliary dyskinesia. Also called: Ciliary dyskinesia. Identifiers: Orphanet 244, MedGen C0008780, MONDO:0016575, HP:0012265.
Primary ciliary dyskinesia 3. Identifiers: Orphanet 244, MedGen C1837618, MONDO:0012085, OMIM 608644.

Allele frequency attached by ClinVar (database versions not stated): ESP Exome Variant Server 0.00008; gnomAD 0.00014 and 0.00033; TOPMed 0.00015; 1000 Genomes Project 0.00140; 1000 Genomes Project 30x 0.00141.
gnomAD v4.1: 786 of 1,608,594 alleles (0.049%); highest among the groups gnomAD compares: South Asian, 0.53%; 4 homozygotes.

Submissions (8):

Labcorp Genetics (formerly Invitae), Labcorp
Classification: Likely benign for Primary ciliary dyskinesia. Last evaluated: 2026-01-24. Review status: criteria provided, single submitter. Criteria: Invitae Variant Classification Sherloc (09022015). Collection method: clinical testing. Allele origin: germline.

Blueprint Genetics
Classification: Likely benign. Last evaluated: 2024-11-26. Review status: criteria provided, single submitter. Criteria: ACMG Guidelines, 2015. Collection method: clinical testing. Allele origin: germline.

CeGaT Center for Human Genetics Tuebingen
Classification: Uncertain significance. Last evaluated: 2023-11-01. Review status: criteria provided, single submitter. Criteria: CeGaT Center For Human Genetics Tuebingen Variant Classification Criteria Version 2. Collection method: clinical testing. Allele origin: germline. Affected: yes. Observed: 1 variant allele.

Ambry Genetics
Classification: Likely benign for Primary ciliary dyskinesia. Last evaluated: 2022-04-21. Review status: criteria provided, single submitter. Criteria: Ambry Variant Classification Scheme 2023. Collection method: clinical testing. Allele origin: germline.

Genome-Nilou Lab
Classification: Uncertain significance for Primary ciliary dyskinesia 3. Last evaluated: 2021-05-18. Review status: criteria provided, single submitter. Criteria: ACMG Guidelines, 2015. Collection method: clinical testing. Allele origin: germline. Affected: no.

GeneDx
Classification: Uncertain significance. Last evaluated: 2019-09-18. Review status: criteria provided, single submitter. Criteria: GeneDx Variant Classification Process June 2021. Collection method: clinical testing. Allele origin: germline. Affected: yes.
Comment: In silico analysis supports that this missense variant has a deleterious effect on protein structure/function; Has not been previously published as pathogenic or benign to our knowledge

Illumina Laboratory Services, Illumina
Classification: Uncertain significance for Primary ciliary dyskinesia 3. Last evaluated: 2018-01-13. Review status: criteria provided, single submitter. Criteria: ICSL Variant Classification Criteria 13 December 2019. Collection method: clinical testing. Allele origin: germline.

PreventionGenetics, part of Exact Sciences
Classification: Likely benign. Review status: criteria provided, single submitter. Criteria: ACMG Guidelines, 2015. Collection method: clinical testing. Allele origin: germline.